The following is an entry in ClinVar:

NM_001008537.3(NEXMIF):c.2009G>A (p.Gly670Asp)

Gene: NEXMIF (neurite extension and migration factor; minus strand). Cytogenetic location: Xq13.3.
Variant type: single nucleotide variant.
Coding change: c.2009G>A on transcript NM_001008537.3 (MANE Select); coding-DNA position 2009, G replaced by A.
Protein change: p.Gly670Asp; replaces glycine 670 with aspartic acid.
Molecular consequence: missense variant.
Genome position (GRCh38, 1-based): chrX:74,742,548, C>T on the plus strand (G>A on the coding strand, the complement: NEXMIF is on the minus strand). VCF-style: chrX-74742548-C-T. GRCh37 (hg19) VCF-style: chrX-73962383-C-T.
Other names: short protein forms G670D.
Identifiers: ClinVar variation 4997664 (VCV004997664.1).

ClinVar aggregate classification (germline): Uncertain significance (1 of 4 stars; one submission).

Conditions:
NEXMIF-related disorder. Also called: NEXMIF-related condition.

Submission:

PreventionGenetics, part of Exact Sciences
Classification: Uncertain significance for NEXMIF-related condition. Last evaluated: 2025-05-27. Review status: criteria provided, single submitter. Criteria: ACMG Guidelines, 2015. Collection method: clinical testing. Allele origin: germline.
Comment: The NEXMIF c.2009G>A variant is predicted to result in the amino acid substitution p.Gly670Asp. To our knowledge, this variant has not been reported in the literature or in a large population database (gnomAD), indicating this variant is rare. At this time, the clinical significance of this variant is uncertain due to the absence of conclusive functional and genetic evidence.